The following is an entry in ClinVar:

ClinVar aggregate classification (germline): Uncertain significance (1 of 4 stars; one submission).

Allele frequency attached by ClinVar (database versions not stated): gnomAD 0.00001; TOPMed 0.00001; gnomAD exomes 0.00002.
gnomAD v4.1: 27 of 1,614,090 alleles (0.0017%); highest among the groups gnomAD compares: South Asian, 0.015%; no homozygotes.

Submission:

Labcorp Genetics (formerly Invitae), Labcorp
Classification: Uncertain significance. Last evaluated: 2024-09-22. Review status: criteria provided, single submitter. Criteria: Invitae Variant Classification Sherloc (09022015). Collection method: clinical testing. Allele origin: germline.
Comment: This sequence change replaces arginine, which is basic and polar, with cysteine, which is neutral and slightly polar, at codon 766 of the DUOX2 protein (p.Arg766Cys). This variant is present in population databases (rs746012866, gnomAD 0.01%). This variant has not been reported in the literature in individuals affected with DUOX2-related conditions. ClinVar contains an entry for this variant (Variation ID: 2175578). Invitae Evidence Modeling of protein sequence and biophysical properties (such as structural, functional, and spatial information, amino acid conservation, physicochemical variation, residue mobility, and thermodynamic stability) indicates that this missense variant is not expected to disrupt DUOX2 protein function with a negative predictive value of 80%. In summary, the available evidence is currently insufficient to determine the role of this variant in disease. Therefore, it has been classified as a Variant of Uncertain Significance.

NM_001363711.2(DUOX2):c.2296C>T (p.Arg766Cys)

Gene: DUOX2 (dual oxidase 2; minus strand). Cytogenetic location: 15q21.1.
Variant type: single nucleotide variant.
Coding change: c.2296C>T on transcript NM_001363711.2 (MANE Select); coding-DNA position 2296, C replaced by T.
Protein change: p.Arg766Cys; replaces arginine 766 with cysteine.
Molecular consequence: missense variant.
Genome position (GRCh38, 1-based): chr15:45,105,681, G>A on the plus strand (C>T on the coding strand, the complement: DUOX2 is on the minus strand). VCF-style: chr15-45105681-G-A. GRCh37 (hg19) VCF-style: chr15-45397879-G-A.
Other names: c.2296C>T, p.Arg766Cys (NM_014080.5); short protein forms R766C.
Identifiers: ClinVar variation 2175578 (VCV002175578.3), dbSNP rs746012866, ClinGen allele CA7538308.